The following is an entry in ClinVar:

NM_002800.5(PSMB9):c.38G>A (p.Arg13Gln)

Gene: PSMB9 (proteasome 20S subunit beta 9; plus strand). Cytogenetic location: 6p21.32.
Variant type: single nucleotide variant.
Coding change: c.38G>A on transcript NM_002800.5 (MANE Select); coding-DNA position 38, G replaced by A.
Protein change: p.Arg13Gln; replaces arginine 13 with glutamine.
Molecular consequence: missense variant.
Genome position (GRCh38, 1-based): chr6:32,854,267, G>A. VCF-style: chr6-32854267-G-A. GRCh37 (hg19) VCF-style: chr6-32822044-G-A.
Other names: short protein forms R13Q.
Identifiers: ClinVar variation 4535868 (VCV004535868.1).

ClinVar aggregate classification (germline): Likely benign (1 of 4 stars; one submission).

gnomAD v4.1: 56 of 1,523,144 alleles (0.0037%); highest among the groups gnomAD compares: Admixed American, 0.076%; no homozygotes.

Submission:

Women's Health and Genetics/Laboratory Corporation of America, LabCorp
Classification: Likely benign. Last evaluated: 2025-09-03. Review status: criteria provided, single submitter. Criteria: LabCorp Variant Classification Summary - May 2015. Collection method: clinical testing. Allele origin: germline.
Comment: Variant summary: PSMB9 c.38G>A (p.Arg13Gln) results in a conservative amino acid change in the encoded protein sequence. Algorithms developed to predict the effect of missense changes on protein structure and function all suggest that this variant is likely to be tolerated. The variant allele was found at a frequency of 0.00012 in 122516 control chromosomes. The observed variant frequency exceeds the estimated maximal expected allele frequency for disease-causing variants in PSMB9. To our knowledge, no occurrence of c.38G>A in individuals affected with PSMB9-related conditions and no experimental evidence demonstrating its impact on protein function have been reported. No submitters have cited clinical-significance assessments for this variant to ClinVar. Based on the evidence outlined above, the variant was classified as likely benign.